The following is an entry in ClinVar:

ClinVar aggregate classification (germline): Uncertain significance (1 of 4 stars; one submission).

Conditions:
Inborn genetic diseases. Identifiers: MedGen C0950123, MeSH D030342.

gnomAD v4.1: 1 of 1,599,734 alleles (0.000063%); highest among the groups gnomAD compares: South Asian, 0.0011%; no homozygotes.

Submission:

Ambry Genetics
Classification: Uncertain significance for Inborn genetic diseases. Last evaluated: 2025-12-10. Review status: criteria provided, single submitter. Criteria: Ambry Variant Classification Scheme 2023. Collection method: clinical testing. Allele origin: germline.
Comment: The p.S331R variant (also known as c.993C>G), located in coding exon 8 of the RUNX1 gene, results from a C to G substitution at nucleotide position 993. The serine at codon 331 is replaced by arginine, an amino acid with dissimilar properties. This amino acid position is conserved. In addition, this alteration is predicted to be tolerated by in silico analysis. Based on the available evidence, the clinical significance of this variant remains unclear.

NM_001754.5(RUNX1):c.993C>G (p.Ser331Arg)

Gene: RUNX1 (RUNX family transcription factor 1; minus strand). Cytogenetic location: 21q22.12.
Variant type: single nucleotide variant.
Coding change: c.993C>G on transcript NM_001754.5 (MANE Select); coding-DNA position 993, C replaced by G.
Protein change: p.Ser331Arg; replaces serine 331 with arginine.
Molecular consequence: missense variant.
Genome position (GRCh38, 1-based): chr21:34,792,585, G>C on the plus strand (C>G on the coding strand, the complement: RUNX1 is on the minus strand). VCF-style: chr21-34792585-G-C. GRCh37 (hg19) VCF-style: chr21-36164882-G-C.
Other names: c.912C>G, p.Ser304Arg (NM_001001890.3); short protein forms S331R, S304R.
Identifiers: ClinVar variation 4629720 (VCV004629720.1).